The following is an entry in ClinVar:

NM_001368882.1(COL13A1):c.1090-3C>A

Gene: COL13A1 (collagen type XIII alpha 1 chain; plus strand). Cytogenetic location: 10q22.1.
Variant type: single nucleotide variant.
Coding change: c.1090-3C>A on transcript NM_001368882.1 (MANE Select); 3 bases into the intron before coding-DNA position 1090, C replaced by A.
Molecular consequence: intron variant.
Genome position (GRCh38, 1-based): chr10:69,921,879, C>A. VCF-style: chr10-69921879-C-A. GRCh37 (hg19) VCF-style: chr10-71681635-C-A.
Other names: c.1027-3C>A (NM_001320951.2, NM_001368884.1); c.1057-3C>A (NM_001130103.2); c.991-3C>A (NM_080801.4, NM_080802.4, NM_001368885.1); c.1000-3C>A (NM_080800.4, NM_001368895.1); c.427-3C>A (NM_001368886.1); c.1054-3C>A (NM_001368883.1); c.904-3C>A (NM_080805.4); c.913-3C>A (NM_001368897.1); and 1 more.
Identifiers: ClinVar variation 1952350 (VCV001952350.5), dbSNP rs1307803116, ClinGen allele CA594260773.

ClinVar aggregate classification (germline): Uncertain significance (1 of 4 stars; one submission).

Allele frequency attached by ClinVar (database versions not stated): gnomAD exomes below 0.00001.
gnomAD v4.1: 2 of 1,604,822 alleles (0.00012%); highest among the groups gnomAD compares: Admixed American, 0.0034%; no homozygotes.

Submission:

Labcorp Genetics (formerly Invitae), Labcorp
Classification: Uncertain significance. Last evaluated: 2022-02-08. Review status: criteria provided, single submitter. Criteria: Invitae Variant Classification Sherloc (09022015). Collection method: clinical testing. Allele origin: germline.
Comment: Variants that disrupt the consensus splice site are a relatively common cause of aberrant splicing (PMID: 17576681, 9536098). Algorithms developed to predict the effect of sequence changes on RNA splicing suggest that this variant may disrupt the consensus splice site. In summary, the available evidence is currently insufficient to determine the role of this variant in disease. Therefore, it has been classified as a Variant of Uncertain Significance. This variant has not been reported in the literature in individuals affected with COL13A1-related conditions. The frequency data for this variant in the population databases is considered unreliable, as metrics indicate poor data quality at this position in the gnomAD database. This sequence change falls in intron 20 of the COL13A1 gene. It does not directly change the encoded amino acid sequence of the COL13A1 protein. It affects a nucleotide within the consensus splice site.

Literature cited by the submitters: PubMed 17576681; PubMed 9536098.